The following is an entry in ClinVar:

ClinVar aggregate classification (germline): Uncertain significance (1 of 4 stars; one submission).

Allele frequency attached by ClinVar (database versions not stated): ExAC 0.00002; gnomAD exomes 0.00002; TOPMed 0.00002; gnomAD 0.00003.
gnomAD v4.1: 11 of 1,614,086 alleles (0.00068%); highest among the groups gnomAD compares: Admixed American, 0.013%; no homozygotes.

Submissions (2):

Labcorp Genetics (formerly Invitae), Labcorp
Classification: Uncertain significance. Last evaluated: 2025-12-17. Review status: criteria provided, single submitter. Criteria: Invitae Variant Classification Sherloc (09022015). Collection method: clinical testing. Allele origin: germline.
Comment: This sequence change affects codon 15 of the SNRNP200 mRNA. It is a 'silent' change, meaning that it does not change the encoded amino acid sequence of the SNRNP200 protein. This variant also falls at the last nucleotide of exon 1, which is part of the consensus splice site for this exon. This variant is present in population databases (rs780417175, gnomAD 0.009%). This variant has not been reported in the literature in individuals affected with SNRNP200-related conditions. ClinVar contains an entry for this variant (Variation ID: 1042556). Variants that disrupt the consensus splice site are a relatively common cause of aberrant splicing (PMID: 17576681, 9536098). Algorithms developed to predict the effect of sequence changes on RNA splicing suggest that this variant may disrupt the consensus splice site. In summary, the available evidence is currently insufficient to determine the role of this variant in disease. Therefore, it has been classified as a Variant of Uncertain Significance.

Dr. Peter K. Rogan Lab, Western University
No classification provided (evidence only). Condition: Papillary renal cell carcinoma type 1. Review status: no classification provided. Collection method: in vitro. Allele origin: not applicable. Functional consequence: retained intron. Not counted in ClinVar's aggregate classification.

Literature cited by the submitters: PubMed 17576681 (cited by Labcorp Genetics (formerly Invitae), Labcorp); PubMed 9536098 (cited by Labcorp Genetics (formerly Invitae), Labcorp).

NM_014014.5(SNRNP200):c.45G>T (p.Ala15=)

Gene: SNRNP200 (small nuclear ribonucleoprotein U5 subunit 200; minus strand). Cytogenetic location: 2q11.2.
Variant type: single nucleotide variant.
Coding change: c.45G>T on transcript NM_014014.5 (MANE Select); coding-DNA position 45, G replaced by T.
Protein change: p.Ala15=; no amino-acid change (alanine 15 retained).
Molecular consequence: synonymous variant.
Genome position (GRCh38, 1-based): chr2:96,305,393, C>A on the plus strand (G>T on the coding strand, the complement: SNRNP200 is on the minus strand). VCF-style: chr2-96305393-C-A. GRCh37 (hg19) VCF-style: chr2-96971131-C-A.
Identifiers: ClinVar variation 1042556 (VCV001042556.7), dbSNP rs780417175, ClinGen allele CA1779290.
Genomic context (GRCh38, chr2:96,305,393, plus strand): 5'-CAGCCTCCCCCTCCCCATTGGACTCCTGAGCCTGGAATCCTTCCCCAAGACCAAACGCAC[C>A]GCCTTGTACTCGTATTGCAGACTACGGGCGGTTACATCCGCCATGGCCGCGGCTGCTCGG-3'
Protein context (NP_054733.2, residues 5-25): TARSLQYEYK[Ala15=]NSNLVLQADR